The following is an entry in ClinVar:

NM_001734.5(C1S):c.1555G>T (p.Val519Phe)

Gene: C1S (complement C1s; plus strand). Cytogenetic location: 12p13.31.
Variant type: single nucleotide variant.
Coding change: c.1555G>T on transcript NM_001734.5 (MANE Select); coding-DNA position 1555, G replaced by T.
Protein change: p.Val519Phe; replaces valine 519 with phenylalanine.
Molecular consequence: missense variant.
Genome position (GRCh38, 1-based): chr12:7,070,139, G>T. VCF-style: chr12-7070139-G-T. GRCh37 (hg19) VCF-style: chr12-7177443-G-T.
Other names: c.1555G>T, p.Val519Phe (NM_201442.4); c.1054G>T, p.Val352Phe (NM_001346850.2); short protein forms V352F, V519F.
Identifiers: ClinVar variation 4771725 (VCV004771725.1).

ClinVar aggregate classification (germline): Uncertain significance (1 of 4 stars; one submission).

Submission:

Labcorp Genetics (formerly Invitae), Labcorp
Classification: Uncertain significance. Last evaluated: 2025-03-09. Review status: criteria provided, single submitter. Criteria: Invitae Variant Classification Sherloc (09022015). Collection method: clinical testing. Allele origin: germline.
Comment: This sequence change replaces valine, which is neutral and non-polar, with phenylalanine, which is neutral and non-polar, at codon 519 of the C1S protein (p.Val519Phe). This variant is present in population databases (no rsID available, gnomAD 0.0009%). This variant has not been reported in the literature in individuals affected with C1S-related conditions. An algorithm developed to predict the effect of missense changes on protein structure and function (PolyPhen-2) suggests that this variant is likely to be tolerated. In summary, the available evidence is currently insufficient to determine the role of this variant in disease. Therefore, it has been classified as a Variant of Uncertain Significance.